The following is an entry in ClinVar:

NM_003001.5(SDHC):c.-38G>A

Gene: SDHC (succinate dehydrogenase complex subunit C; plus strand). Cytogenetic location: 1q23.3.
Variant type: single nucleotide variant.
Coding change: c.-38G>A on transcript NM_003001.5 (MANE Select); 38 bases upstream of the start codon, G replaced by A.
Genome position (GRCh38, 1-based): chr1:161,314,368, G>A. VCF-style: chr1-161314368-G-A. GRCh37 (hg19) VCF-style: chr1-161284158-G-A.
Identifiers: ClinVar variation 368837 (VCV000368837.35), dbSNP rs112556972, ClinGen allele CA089457.

ClinVar aggregate classification (germline): Benign. Review status: criteria provided, multiple submitters, no conflicts (2 of 4 stars). 10 submissions from 10 submitters: Benign (9). 1 of the submissions does not count toward it. Last evaluated 2025-10-01.

Conditions:
Pheochromocytoma/paraganglioma syndrome 3. Also called: GLOMUS TUMORS, FAMILIAL, 3; SDHC-Related Hereditary Paraganglioma-Pheochromocytoma Syndrome (Paragangliomas 3); Paragangliomas 3; SDHC-Related Hereditary Paraganglioma-Pheochromocytoma Syndrome. Identifiers: Orphanet 29072, MedGen C1854336, MONDO:0011544, OMIM 605373.
Gastrointestinal stromal tumor. Also called: Gastrointestinal stromal tumor, somatic; Gastrointestinal stroma tumor. Identifiers: Orphanet 44890, MedGen C0238198, MeSH D046152, MONDO:0011719, OMIM 606764, HP:0100723.
Hereditary cancer-predisposing syndrome. Also called: Neoplastic Syndromes, Hereditary; Hereditary Cancer Syndrome; Hereditary neoplastic syndrome; Tumor predisposition. Identifiers: Orphanet 140162, MedGen C0027672, MeSH D009386, MONDO:0015356.
Hereditary pheochromocytoma and paraganglioma. Also called: Hereditary Paraganglioma-Pheochromocytoma Syndromes; Hereditary pheochromocytoma-paraganglioma; Hereditary paragangliomas and pheochromocytomas. Identifiers: Orphanet 29072, MedGen C4274332, MONDO:0017366.
Carney-Stratakis syndrome. Also called: PARAGANGLIOMA AND GASTROINTESTINAL STROMAL TUMOR. Identifiers: Orphanet 97286, MedGen C1847319, MONDO:0011740, OMIM 606864.

Allele frequency attached by ClinVar (database versions not stated): gnomAD exomes 0.00152 and 0.00397; ExAC 0.00498; gnomAD 0.01496 and 0.01611; ESP Exome Variant Server 0.01684; TOPMed 0.01716; 1000 Genomes Project 0.02037; 1000 Genomes Project 30x 0.02139.

Submissions (10):

Labcorp Genetics (formerly Invitae), Labcorp
Classification: Benign for Pheochromocytoma/paraganglioma syndrome 3; Gastrointestinal stromal tumor. Last evaluated: 2025-10-01. Review status: criteria provided, single submitter. Criteria: Invitae Variant Classification Sherloc (09022015). Collection method: clinical testing. Allele origin: germline.

ARUP Laboratories, Molecular Genetics and Genomics, ARUP Laboratories
Classification: Benign. Last evaluated: 2025-05-01. Review status: criteria provided, single submitter. Criteria: ARUP Molecular Germline Variant Investigation Process 2024. Collection method: clinical testing. Allele origin: germline.

Center for Genomic Medicine, Rigshospitalet, Copenhagen University Hospital
Classification: Benign. Last evaluated: 2025-03-04. Review status: criteria provided, single submitter. Criteria: ACMG Guidelines, 2015. Collection method: clinical testing. Allele origin: germline.

KCCC/NGS Laboratory, Kuwait Cancer Control Center
Classification: Benign for Pheochromocytoma/paraganglioma syndrome 3. Last evaluated: 2023-07-07. Review status: criteria provided, single submitter. Criteria: ACMG Guidelines, 2015. Collection method: clinical testing. Allele origin: germline. Affected: yes.

Fulgent Genetics
Classification: Benign for Pheochromocytoma/paraganglioma syndrome 3; Gastrointestinal stromal tumor; Carney-Stratakis syndrome. Last evaluated: 2022-05-04. Review status: criteria provided, single submitter. Criteria: ACMG Guidelines, 2015. Collection method: clinical testing. Allele origin: unknown.

Sema4
Classification: Benign for Hereditary cancer-predisposing syndrome. Last evaluated: 2020-02-06. Review status: criteria provided, single submitter. Criteria: Sema4 Curation Guidelines. Collection method: curation. Allele origin: germline.

Illumina Laboratory Services, Illumina
Classification: Benign for Hereditary Paraganglioma-Pheochromocytoma Syndromes. Last evaluated: 2017-04-27. Review status: criteria provided, single submitter. Criteria: ICSL Variant Classification Criteria 13 December 2019. Collection method: clinical testing. Allele origin: germline.
Comment: This variant was observed as part of a predisposition screen in an ostensibly healthy population. A literature search was performed for the gene, cDNA change, and amino acid change (where applicable). Publications were found based on this search. The evidence from the literature, in combination with allele frequency data from public databases where available, was sufficient to rule this variant out of causing disease. Therefore, this variant is classified as benign.

GeneDx
Classification: Benign. Last evaluated: 2015-04-09. Review status: criteria provided, single submitter. Criteria: GeneDx Variant Classification Process June 2021. Collection method: clinical testing. Allele origin: germline. Affected: yes.
Comment: This variant is associated with the following publications: (PMID: 17468193, 23342407, 12807974)

Breakthrough Genomics
Classification: Benign. Review status: criteria provided, single submitter. Criteria: ACMG Guidelines, 2015. Collection method: not provided. Allele origin: germline. Inheritance: Autosomal dominant inheritance. Affected: yes.

Counsyl
Classification: Benign for Pheochromocytoma/paraganglioma syndrome 3. Last evaluated: 2017-11-14. Review status: no assertion criteria provided. Collection method: clinical testing. Allele origin: unknown. Not counted in ClinVar's aggregate classification.

Literature cited by the submitters: PubMed 17468193 (cited by Illumina Laboratory Services, Illumina); PubMed 12807974 (cited by Illumina Laboratory Services, Illumina); PubMed 23342407 (cited by Illumina Laboratory Services, Illumina).